The following is an entry in ClinVar:

ClinVar aggregate classification (germline): Benign/Likely benign. Review status: criteria provided, multiple submitters, no conflicts (2 of 4 stars). 9 submissions from 9 submitters: Benign (6); Likely benign (1). 2 of the submissions do not count toward it. Last evaluated 2026-02-04.

Conditions:
Mucolipidosis type IV (ML4). Also called: ML IV. Identifiers: Orphanet 578, MedGen C0238286, MONDO:0009653, OMIM 252650.

Allele frequency attached by ClinVar (database versions not stated): 1000 Genomes Project 30x 0.03826; ExAC 0.05597; 1000 Genomes Project 0.03754; gnomAD exomes 0.05611; gnomAD 0.05896 and 0.06042; TOPMed 0.06113; ESP Exome Variant Server 0.06489.
gnomAD v4.1: 114,503 of 1,613,996 alleles (7.1%); highest among the groups gnomAD compares: Non-Finnish European, 8.2%; 4,600 homozygotes.

Submissions (9):

Labcorp Genetics (formerly Invitae), Labcorp
Classification: Benign for Mucolipidosis type IV. Last evaluated: 2026-02-04. Review status: criteria provided, single submitter. Criteria: Invitae Variant Classification Sherloc (09022015). Collection method: clinical testing. Allele origin: germline.

Fulgent Genetics
Classification: Likely benign for Mucolipidosis type IV. Last evaluated: 2021-08-13. Review status: criteria provided, single submitter. Criteria: ACMG Guidelines, 2015. Collection method: clinical testing. Allele origin: unknown.

Genome-Nilou Lab
Classification: Benign for Mucolipidosis type IV. Last evaluated: 2021-06-10. Review status: criteria provided, single submitter. Criteria: ACMG Guidelines, 2015. Collection method: clinical testing. Allele origin: germline. Affected: no.

Illumina Laboratory Services, Illumina
Classification: Benign for Mucolipidosis type IV. Last evaluated: 2018-01-12. Review status: criteria provided, single submitter. Criteria: ICSL Variant Classification Criteria 13 December 2019. Collection method: clinical testing. Allele origin: germline.
Comment: This variant was observed in the ICSL laboratory as part of a predisposition screen in an ostensibly healthy population. It had not been previously curated by ICSL or reported in the Human Gene Mutation Database (HGMD: prior to June 1st, 2018), and was therefore a candidate for classification through an automated scoring system. Utilizing variant allele frequency, disease prevalence and penetrance estimates, and inheritance mode, an automated score was calculated to assess if this variant is too frequent to cause the disease. Based on the score and internal cut-off values, a variant classified as benign is not then subjected to further curation. The score for this variant resulted in a classification of benign for this disease.

GeneDx
Classification: Benign. Last evaluated: 2015-03-03. Review status: criteria provided, single submitter. Criteria: GeneDx Variant Classification Process June 2021. Collection method: clinical testing. Allele origin: germline. Affected: yes.

Breakthrough Genomics
Classification: Benign. Review status: criteria provided, single submitter. Criteria: ACMG Guidelines, 2015. Collection method: not provided. Allele origin: germline. Inheritance: Autosomal recessive inheritance. Affected: yes.

PreventionGenetics, part of Exact Sciences
Classification: Benign. Review status: criteria provided, single submitter. Criteria: ACMG Guidelines, 2015. Collection method: clinical testing. Allele origin: germline.

Natera, Inc.
Classification: Benign for Mucolipidosis type IV. Last evaluated: 2017-04-25. Review status: no assertion criteria provided. Collection method: clinical testing. Allele origin: germline. Not counted in ClinVar's aggregate classification.

Mayo Clinic Laboratories, Mayo Clinic
Classification: Benign. Last evaluated: 2015-10-26. Review status: no assertion criteria provided. Collection method: clinical testing. Allele origin: unknown. Not counted in ClinVar's aggregate classification.

NM_020533.3(MCOLN1):c.966A>C (p.Arg322=)

Gene: MCOLN1 (mucolipin TRP cation channel 1; plus strand). Cytogenetic location: 19p13.2.
Variant type: single nucleotide variant.
Coding change: c.966A>C on transcript NM_020533.3 (MANE Select); coding-DNA position 966, A replaced by C.
Protein change: p.Arg322=; no amino-acid change (arginine 322 retained).
Molecular consequence: synonymous variant.
Genome position (GRCh38, 1-based): chr19:7,528,685, A>C. VCF-style: chr19-7528685-A-C. GRCh37 (hg19) VCF-style: chr19-7593571-A-C.
Identifiers: ClinVar variation 261323 (VCV000261323.28), dbSNP rs61736600, ClinGen allele CA9138968.